The following is an entry in ClinVar:

NM_006206.6(PDGFRA):c.984C>T (p.Asn328=)

Gene: PDGFRA (platelet derived growth factor receptor alpha; plus strand). Cytogenetic location: 4q12.
Variant type: single nucleotide variant.
Coding change: c.984C>T on transcript NM_006206.6 (MANE Select); coding-DNA position 984, C replaced by T.
Protein change: p.Asn328=; no amino-acid change (asparagine 328 retained).
Molecular consequence: synonymous variant.
Genome position (GRCh38, 1-based): chr4:54,267,604, C>T. VCF-style: chr4-54267604-C-T. GRCh37 (hg19) VCF-style: chr4-55133771-C-T.
Other names: c.984C>T (NM_006206.4); c.984C>T, p.Asn328= (NM_001347827.2, NM_001347829.2); c.1059C>T, p.Asn353= (NM_001347828.2); c.1023C>T, p.Asn341= (NM_001347830.2).
Identifiers: ClinVar variation 1099365 (VCV001099365.12), dbSNP rs1475172474, ClinGen allele CA439286722.

ClinVar aggregate classification (germline): Benign/Likely benign. Review status: criteria provided, multiple submitters, no conflicts (2 of 4 stars). 3 submissions from 3 submitters: Benign (1); Likely benign (2). Last evaluated 2026-06-16.

Conditions:
Hereditary cancer-predisposing syndrome. Also called: Neoplastic Syndromes, Hereditary; Hereditary Cancer Syndrome; Hereditary neoplastic syndrome; Tumor predisposition. Identifiers: Orphanet 140162, MedGen C0027672, MeSH D009386, MONDO:0015356.
Gastrointestinal stromal tumor. Also called: Gastrointestinal stroma tumor; Gastrointestinal stromal tumor, somatic. Identifiers: Orphanet 44890, MedGen C0238198, MeSH D046152, MONDO:0011719, OMIM 606764, HP:0100723.
Polyps, multiple and recurrent inflammatory fibroid, gastrointestinal. Identifiers: MedGen C5193005, MONDO:0008285, OMIM 175510.

Allele frequency attached by ClinVar (database versions not stated): gnomAD exomes below 0.00001 and 0.00001; TOPMed below 0.00001.
gnomAD v4.1: 16 of 1,614,200 alleles (0.00099%); highest among the groups gnomAD compares: African/African-American, 0.0013%; no homozygotes.

Submissions (3):

Myriad Genetics, Inc.
Classification: Benign for Polyps, multiple and recurrent inflammatory fibroid, gastrointestinal. Last evaluated: 2026-06-16. Review status: criteria provided, single submitter. Criteria: Myriad Autosomal Dominant, Autosomal Recessive and X-Linked Classification Criteria (2023). Collection method: clinical testing. Allele origin: unknown.
Comment: This variant is considered benign. This variant is a silent/synonymous amino acid change and it is not expected to impact splicing.

Labcorp Genetics (formerly Invitae), Labcorp
Classification: Likely benign for Gastrointestinal stromal tumor. Last evaluated: 2025-12-09. Review status: criteria provided, single submitter. Criteria: Invitae Variant Classification Sherloc (09022015). Collection method: clinical testing. Allele origin: germline.

Ambry Genetics
Classification: Likely benign for Hereditary cancer-predisposing syndrome. Last evaluated: 2023-08-30. Review status: criteria provided, single submitter. Criteria: Ambry Variant Classification Scheme 2023. Collection method: clinical testing. Allele origin: germline.